The following is an entry in ClinVar:

ClinVar aggregate classification (germline): Uncertain significance (1 of 4 stars; one submission).

Conditions:
Cardiovascular phenotype. Identifiers: MedGen CN230736.

gnomAD v4.1: 1 of 1,613,934 alleles (0.000062%); highest among the groups gnomAD compares: African/African-American, 0.0013%; no homozygotes.

Submission:

Ambry Genetics
Classification: Uncertain significance for Cardiovascular phenotype. Last evaluated: 2025-12-19. Review status: criteria provided, single submitter. Criteria: Ambry Variant Classification Scheme 2023. Collection method: clinical testing. Allele origin: germline.
Comment: The p.P929A variant (also known as c.2785C>G), located in coding exon 23 of the JAG1 gene, results from a C to G substitution at nucleotide position 2785. The proline at codon 929 is replaced by alanine, an amino acid with highly similar properties. This amino acid position is conserved. In addition, this alteration is predicted to be deleterious by in silico analysis. Based on the available evidence, the clinical significance of this variant remains unclear.

NM_000214.3(JAG1):c.2785C>G (p.Pro929Ala)

Gene: JAG1 (jagged canonical Notch ligand 1; minus strand). Cytogenetic location: 20p12.2.
Variant type: single nucleotide variant.
Coding change: c.2785C>G on transcript NM_000214.3 (MANE Select); coding-DNA position 2785, C replaced by G.
Protein change: p.Pro929Ala; replaces proline 929 with alanine.
Molecular consequence: missense variant.
Genome position (GRCh38, 1-based): chr20:10,641,591, G>C on the plus strand (C>G on the coding strand, the complement: JAG1 is on the minus strand). VCF-style: chr20-10641591-G-C. GRCh37 (hg19) VCF-style: chr20-10622239-G-C.
Other names: short protein forms P929A.
Identifiers: ClinVar variation 4843420 (VCV004843420.1).